The following is an entry in ClinVar:

Single allele

Gene: DMD (dystrophin; minus strand). Cytogenetic location: Xp21.2.
Variant type: Deletion.
Identifiers: ClinVar variation 4682443 (VCV004682443.1).

ClinVar aggregate classification (germline): Likely pathogenic (1 of 4 stars; one submission).

Submission:

Athena Diagnostics
Classification: Likely pathogenic. Last evaluated: 2025-08-22. Review status: criteria provided, single submitter. Criteria: Athena Diagnostics Criteria. Collection method: clinical testing. Allele origin: unknown.
Comment: This deletion variant is predicted to maintain the open reading frame. However, due to the altered protein length, it is expected to severely disrupt protein function. Similar deletions of exons 61-78 of the DMD gene have not been reported in large, multi-ethnic general populations (Genome Aggregation Database (gnomAD), Cambridge, MA (URL)).